The following is an entry in ClinVar:

ClinVar aggregate classification (germline): Uncertain significance (1 of 4 stars; one submission).

Submission:

Ambry Genetics
Classification: Uncertain significance. Last evaluated: 2023-08-30. Review status: criteria provided, single submitter. Criteria: Ambry Variant Classification Scheme 2023. Collection method: clinical testing. Allele origin: germline.
Comment: The p.T1084I variant (also known as c.3251C>T), located in coding exon 1 of the MLH3 gene, results from a C to T substitution at nucleotide position 3251. The threonine at codon 1084 is replaced by isoleucine, an amino acid with similar properties. This amino acid position is conserved. In addition, the in silico prediction for this alteration is inconclusive. Since supporting evidence is limited at this time, the clinical significance of this alteration remains unclear.

NM_001040108.2(MLH3):c.3251C>T (p.Thr1084Ile)

Gene: MLH3 (mutL homolog 3; minus strand). Cytogenetic location: 14q24.3.
Variant type: single nucleotide variant.
Coding change: c.3251C>T on transcript NM_001040108.2 (MANE Select); coding-DNA position 3251, C replaced by T.
Protein change: p.Thr1084Ile; replaces threonine 1084 with isoleucine.
Molecular consequence: missense variant.
Genome position (GRCh38, 1-based): chr14:75,046,405, G>A on the plus strand (C>T on the coding strand, the complement: MLH3 is on the minus strand). VCF-style: chr14-75046405-G-A. GRCh37 (hg19) VCF-style: chr14-75513108-G-A.
Other names: c.3251C>T, p.Thr1084Ile (NM_014381.3); short protein forms T1084I.
Identifiers: ClinVar variation 2625672 (VCV002625672.2), dbSNP rs2139544174, ClinGen allele CA390434323.